The following is an entry in ClinVar:

NM_004817.4(TJP2):c.3551G>A (p.Arg1184Gln)

Gene: TJP2 (tight junction protein 2; plus strand). Cytogenetic location: 9q21.11.
Variant type: single nucleotide variant.
Coding change: c.3551G>A on transcript NM_004817.4 (MANE Select); coding-DNA position 3551, G replaced by A.
Protein change: p.Arg1184Gln; replaces arginine 1184 with glutamine.
Molecular consequence: missense variant.
Genome position (GRCh38, 1-based): chr9:69,254,352, G>A. VCF-style: chr9-69254352-G-A. GRCh37 (hg19) VCF-style: chr9-71869268-G-A.
Other names: c.3551G>A (NM_004817.3); c.3227G>A, p.Arg1076Gln (NM_001369873.1); c.3122G>A, p.Arg1041Gln (NM_001369874.1); c.3563G>A, p.Arg1188Gln (NM_001369875.1); c.3110G>A, p.Arg1037Gln (NM_201629.3); c.3041G>A, p.Arg1014Gln (NM_001170414.2); c.3452G>A, p.Arg1151Gln (NM_001170415.1); c.3644G>A, p.Arg1215Gln (NM_001170416.2); and 3 more; short protein forms R1076Q, R1014Q, R1037Q, R1041Q, R1184Q, R1159Q, R1161Q, R1147Q.
Identifiers: ClinVar variation 2190430 (VCV002190430.5), dbSNP rs777573178, ClinGen allele CA5074016.

ClinVar aggregate classification (germline): Uncertain significance. Review status: criteria provided, multiple submitters, no conflicts (2 of 4 stars). 2 submissions from 2 submitters: Uncertain significance (2). Last evaluated 2024-06-16.

Conditions:
Inborn genetic diseases. Identifiers: MedGen C0950123, MeSH D030342.

Allele frequency attached by ClinVar (database versions not stated): ExAC 0.00001; gnomAD 0.00001; gnomAD exomes 0.00001; TOPMed 0.00001.
gnomAD v4.1: 12 of 1,614,092 alleles (0.00074%); highest among the groups gnomAD compares: Middle Eastern, 0.033%; no homozygotes.

Submissions (2):

Ambry Genetics
Classification: Uncertain significance for Inborn genetic diseases. Last evaluated: 2024-06-16. Review status: criteria provided, single submitter. Criteria: Ambry Variant Classification Scheme 2023. Collection method: clinical testing. Allele origin: germline.

Labcorp Genetics (formerly Invitae), Labcorp
Classification: Uncertain significance. Last evaluated: 2022-08-06. Review status: criteria provided, single submitter. Criteria: Invitae Variant Classification Sherloc (09022015). Collection method: clinical testing. Allele origin: germline.
Comment: This sequence change replaces arginine, which is basic and polar, with glutamine, which is neutral and polar, at codon 1184 of the TJP2 protein (p.Arg1184Gln). In summary, the available evidence is currently insufficient to determine the role of this variant in disease. Therefore, it has been classified as a Variant of Uncertain Significance. Algorithms developed to predict the effect of missense changes on protein structure and function (SIFT, PolyPhen-2, Align-GVGD) all suggest that this variant is likely to be tolerated. This variant has not been reported in the literature in individuals affected with TJP2-related conditions. This variant is present in population databases (rs777573178, gnomAD 0.0009%).